The following is an entry in ClinVar:

NM_015100.4(POGZ):c.3827T>C (p.Leu1276Pro)

Gene: POGZ (pogo transposable element derived with ZNF domain; minus strand). Cytogenetic location: 1q21.3.
Variant type: single nucleotide variant.
Coding change: c.3827T>C on transcript NM_015100.4 (MANE Select); coding-DNA position 3827, T replaced by C.
Protein change: p.Leu1276Pro; replaces leucine 1276 with proline.
Molecular consequence: missense variant.
Genome position (GRCh38, 1-based): chr1:151,405,208, A>G on the plus strand (T>C on the coding strand, the complement: POGZ is on the minus strand). VCF-style: chr1-151405208-A-G. GRCh37 (hg19) VCF-style: chr1-151377684-A-G.
Other names: c.3800T>C, p.Leu1267Pro (NM_001194937.2); c.3641T>C, p.Leu1214Pro (NM_001194938.2); c.3848T>C, p.Leu1283Pro (NM_001410860.1); c.3542T>C, p.Leu1181Pro (NM_145796.4); c.3668T>C, p.Leu1223Pro (NM_207171.2); short protein forms L1181P, L1214P, L1223P, L1267P, L1276P, L1283P.
Identifiers: ClinVar variation 4056746 (VCV004056746.1).

ClinVar aggregate classification (germline): Uncertain significance (1 of 4 stars; one submission).

Conditions:
Intellectual disability-microcephaly-strabismus-behavioral abnormalities syndrome. Also called: White-Sutton Syndrome. Identifiers: Orphanet 468678, MedGen C4225351, MONDO:0014606, OMIM 616364.

Submission:

Laboratorio de Genetica e Diagnostico Molecular, Hospital Israelita Albert Einstein
Classification: Uncertain significance for Intellectual disability-microcephaly-strabismus-behavioral abnormalities syndrome. Last evaluated: 2024-03-08. Review status: criteria provided, single submitter. Criteria: ACMG Guidelines, 2015. Collection method: clinical testing. Allele origin: germline. Affected: yes.
Comment: ACMG classification criteria: PM2 supporting, PP2 supporting, BP4 supporting